The following is an entry in ClinVar:

NM_000258.3(MYL3):c.487A>G (p.Arg163Gly)

Gene: MYL3 (myosin light chain 3; minus strand). Cytogenetic location: 3p21.31.
Variant type: single nucleotide variant.
Coding change: c.487A>G on transcript NM_000258.3 (MANE Select); coding-DNA position 487, A replaced by G.
Protein change: p.Arg163Gly; replaces arginine 163 with glycine.
Molecular consequence: missense variant.
Genome position (GRCh38, 1-based): chr3:46,858,456, T>C on the plus strand (A>G on the coding strand, the complement: MYL3 is on the minus strand). VCF-style: chr3-46858456-T-C. GRCh37 (hg19) VCF-style: chr3-46899946-T-C.
Other names: short protein forms R163G.
Identifiers: ClinVar variation 1367821 (VCV001367821.13), dbSNP rs2106905119, ClinGen allele CA352495606.

ClinVar aggregate classification (germline): Uncertain significance. Review status: criteria provided, multiple submitters, no conflicts (2 of 4 stars). 4 submissions from 4 submitters: Uncertain significance (4). Last evaluated 2026-09-03.

Conditions:
Cardiovascular phenotype. Identifiers: MedGen CN230736.
Hypertrophic cardiomyopathy. Also called: HYPERTROPHIC MYOCARDIOPATHY. Identifiers: Orphanet 217569, MedGen C0007194, MeSH D002312, MONDO:0005045, HP:0001639.

Submissions (4):

GeneDx
Classification: Uncertain significance. Last evaluated: 2026-09-03. Review status: criteria provided, single submitter. Criteria: GeneDx Variant Classification Process June 2021. Collection method: clinical testing. Allele origin: germline.
Comment: Not observed at significant frequency in large population cohorts (gnomAD); In silico analysis supports that this missense variant has a deleterious effect on protein structure/function; Reported in association with HCM in published literature (PMID: 37652022); This variant is associated with the following publications: (PMID: 37652022)

Molecular Diagnostic Laboratory for Inherited Cardiovascular Disease, Montreal Heart Institute
Classification: Uncertain significance for Cardiovascular phenotype. Last evaluated: 2025-04-09. Review status: criteria provided, single submitter. Criteria: ACMG Guidelines, 2015. Collection method: clinical testing. Allele origin: germline. Affected: yes.
Comment: PM2, PP2

Labcorp Genetics (formerly Invitae), Labcorp
Classification: Uncertain significance for Hypertrophic cardiomyopathy. Last evaluated: 2021-01-29. Review status: criteria provided, single submitter. Criteria: Invitae Variant Classification Sherloc (09022015). Collection method: clinical testing. Allele origin: germline.
Comment: This variant is not present in population databases (ExAC no frequency). This sequence change replaces arginine with glycine at codon 163 of the MYL3 protein (p.Arg163Gly). The arginine residue is moderately conserved and there is a moderate physicochemical difference between arginine and glycine. This variant has been observed in individual(s) with clinical features of MYL3-related conditions (Invitae). In summary, the available evidence is currently insufficient to determine the role of this variant in disease. Therefore, it has been classified as a Variant of Uncertain Significance. Algorithms developed to predict the effect of missense changes on protein structure and function are either unavailable or do not agree on the potential impact of this missense change (SIFT: "Deleterious"; PolyPhen-2: "Possibly Damaging"; Align-GVGD: "Class C0").

Ambry Genetics
Classification: Uncertain significance for Cardiovascular phenotype. Last evaluated: 2020-08-05. Review status: criteria provided, single submitter. Criteria: Ambry Variant Classification Scheme 2023. Collection method: clinical testing. Allele origin: germline.
Comment: The p.R163G variant (also known as c.487A>G), located in coding exon 5 of the MYL3 gene, results from an A to G substitution at nucleotide position 487. The arginine at codon 163 is replaced by glycine, an amino acid with dissimilar properties. This amino acid position is not well conserved in available vertebrate species. In addition, the in silico prediction for this alteration is inconclusive. Since supporting evidence is limited at this time, the clinical significance of this alteration remains unclear.